The following is an entry in ClinVar:

NM_017780.4(CHD7):c.90G>A (p.Pro30=)

Gene: CHD7 (chromodomain helicase DNA binding protein 7; plus strand). Cytogenetic location: 8q12.2.
Variant type: single nucleotide variant.
Coding change: c.90G>A on transcript NM_017780.4 (MANE Select); coding-DNA position 90, G replaced by A.
Protein change: p.Pro30=; no amino-acid change (proline 30 retained).
Molecular consequence: synonymous variant.
Genome position (GRCh38, 1-based): chr8:60,741,522, G>A. VCF-style: chr8-60741522-G-A. GRCh37 (hg19) VCF-style: chr8-61654081-G-A.
Other names: c.90G>A, p.Pro30= (NM_001316690.1).
Identifiers: ClinVar variation 195322 (VCV000195322.46), dbSNP rs374464240, ClinGen allele CA241699.

ClinVar aggregate classification (germline): Conflicting classifications of pathogenicity. Review status: criteria provided, conflicting classifications (1 of 4 stars). 8 submissions from 8 submitters: Uncertain significance (1); Benign (2); Likely benign (4). 1 of the submissions does not count toward it. Last evaluated 2026-02-03.

Conditions:
CHD7-related disorder. Also called: CHD7-related condition.
Inborn genetic diseases. Identifiers: MedGen C0950123, MeSH D030342.
CHARGE syndrome (CHARGE). Also called: Coloboma, heart anomaly, choanal atresia, retardation, genital and ear anomalies; CHARGE association; Hall-Hittner syndrome; CHARGE ASSOCIATION--COLOBOMA, HEART ANOMALY, CHOANAL ATRESIA, RETARDATION, GENITAL AND EAR ANOMALIES; Hittner Hirsch Kreh syndrome. Identifiers: Orphanet 138, MedGen C0265354, MONDO:0008965.

Allele frequency attached by ClinVar (database versions not stated): gnomAD 0.00006 and 0.00013; ESP Exome Variant Server 0.00008; gnomAD exomes 0.00010 and 0.00017; TOPMed 0.00011; ExAC 0.00027.
gnomAD v4.1: 170 of 1,613,034 alleles (0.011%); highest among the groups gnomAD compares: East Asian, 0.12%; 1 homozygote.

Submissions (8):

Women's Health and Genetics/Laboratory Corporation of America, LabCorp
Classification: Likely benign. Last evaluated: 2026-02-03. Review status: criteria provided, single submitter. Criteria: LabCorp Variant Classification Summary - May 2015. Collection method: clinical testing. Allele origin: germline.

Labcorp Genetics (formerly Invitae), Labcorp
Classification: Benign for CHARGE syndrome. Last evaluated: 2025-12-24. Review status: criteria provided, single submitter. Criteria: Invitae Variant Classification Sherloc (09022015). Collection method: clinical testing. Allele origin: germline.

CeGaT Center for Human Genetics Tuebingen
Classification: Likely benign. Last evaluated: 2025-11-01. Review status: criteria provided, single submitter. Criteria: CeGaT Center For Human Genetics Tuebingen Variant Classification Criteria Version 2. Collection method: clinical testing. Allele origin: germline. Affected: yes. Observed: 4 variant alleles.
Comment: CHD7: BP4, BP7

Blueprint Genetics
Classification: Likely benign. Last evaluated: 2024-11-14. Review status: criteria provided, single submitter. Criteria: ACMG Guidelines, 2015. Collection method: clinical testing. Allele origin: germline.

Ambry Genetics
Classification: Likely benign for Inborn genetic diseases. Last evaluated: 2023-04-28. Review status: criteria provided, single submitter. Criteria: Ambry Variant Classification Scheme 2023. Collection method: clinical testing. Allele origin: germline.

GeneDx
Classification: Benign. Last evaluated: 2020-09-14. Review status: criteria provided, single submitter. Criteria: GeneDx Variant Classification Process June 2021. Collection method: clinical testing. Allele origin: germline. Affected: yes.

Eurofins Ntd Llc (ga)
Classification: Uncertain significance. Last evaluated: 2014-08-20. Review status: criteria provided, single submitter. Criteria: EGL Classification Definitions 2015. Collection method: clinical testing. Allele origin: germline. Observed: 2 variant alleles, 2 heterozygotes.

PreventionGenetics, part of Exact Sciences
Classification: Likely benign for CHD7-related condition. Last evaluated: 2019-09-23. Review status: no assertion criteria provided. Collection method: clinical testing. Allele origin: germline. Not counted in ClinVar's aggregate classification.
Comment: This variant is classified as likely benign based on ACMG/AMP sequence variant interpretation guidelines (Richards et al. 2015 PMID: 25741868, with internal and published modifications).